The following is an entry in ClinVar:

NM_017871.6(INTS11):c.1170C>T (p.Ser390=)

Gene: INTS11 (integrator complex subunit 11; minus strand). Cytogenetic location: 1p36.33.
Variant type: single nucleotide variant.
Coding change: c.1170C>T on transcript NM_017871.6 (MANE Select); coding-DNA position 1170, C replaced by T.
Protein change: p.Ser390=; no amino-acid change (serine 390 retained).
Molecular consequence: synonymous variant.
Genome position (GRCh38, 1-based): chr1:1,312,911, G>A on the plus strand (C>T on the coding strand, the complement: INTS11 is on the minus strand). VCF-style: chr1-1312911-G-A. GRCh37 (hg19) VCF-style: chr1-1248291-G-A.
Other names: c.1188C>T, p.Ser396= (NM_001256456.2); c.1083C>T, p.Ser361= (NM_001256460.2); c.876C>T, p.Ser292= (NM_001256462.2); c.867C>T, p.Ser289= (NM_001256463.2).
Identifiers: ClinVar variation 5038565 (VCV005038565.1).

ClinVar aggregate classification (germline): Likely benign (1 of 4 stars; one submission).

gnomAD v4.1: 1,720 of 1,612,414 alleles (0.11%); highest among the groups gnomAD compares: Middle Eastern, 0.76%; no homozygotes.

Submission:

CeGaT Center for Human Genetics Tuebingen
Classification: Likely benign. Last evaluated: 2026-07-01. Review status: criteria provided, single submitter. Criteria: CeGaT Center For Human Genetics Tuebingen Variant Classification Criteria Version 2. Collection method: clinical testing. Allele origin: germline. Affected: yes. Observed: 1 variant allele.
Comment: INTS11: BP4, BP7